The following is an entry in ClinVar:

ClinVar aggregate classification (germline): Likely benign (1 of 4 stars; one submission).

Allele frequency attached by ClinVar (database versions not stated): gnomAD exomes 0.00307; ExAC 0.00389; gnomAD 0.01141 and 0.01219; 1000 Genomes Project 0.01298; TOPMed 0.01305; 1000 Genomes Project 30x 0.01421; ESP Exome Variant Server 0.01448.
gnomAD v4.1: 3,358 of 1,612,736 alleles (0.21%); highest among the groups gnomAD compares: African/African-American, 4.1%; 68 homozygotes.

Submission:

GeneDx
Classification: Likely benign. Last evaluated: 2018-06-16. Review status: criteria provided, single submitter. Criteria: GeneDx Variant Classification (06012015). Collection method: clinical testing. Allele origin: germline. Affected: yes.
Comment: This variant is considered likely benign or benign based on one or more of the following criteria: it is a conservative change, it occurs at a poorly conserved position in the protein, it is predicted to be benign by multiple in silico algorithms, and/or has population frequency not consistent with disease.

NM_000138.5(FBN1):c.4088-51G>A

Gene: FBN1 (fibrillin 1; minus strand). Cytogenetic location: 15q21.1.
Variant type: single nucleotide variant.
Coding change: c.4088-51G>A on transcript NM_000138.5 (MANE Select); 51 bases into the intron before coding-DNA position 4088, G replaced by A.
Molecular consequence: intron variant.
Genome position (GRCh38, 1-based): chr15:48,474,428, C>T on the plus strand (G>A on the coding strand, the complement: FBN1 is on the minus strand). VCF-style: chr15-48474428-C-T. GRCh37 (hg19) VCF-style: chr15-48766625-C-T.
Identifiers: ClinVar variation 675692 (VCV000675692.1), dbSNP rs114384790, ClinGen allele CA052032.